The following is an entry in ClinVar:

NM_022829.6(SLC13A3):c.1730C>T (p.Pro577Leu)

Gene: SLC13A3 (solute carrier family 13 member 3; minus strand). Cytogenetic location: 20q13.12.
Variant type: single nucleotide variant.
Coding change: c.1730C>T on transcript NM_022829.6 (MANE Select); coding-DNA position 1730, C replaced by T.
Protein change: p.Pro577Leu; replaces proline 577 with leucine.
Molecular consequence: missense variant.
Genome position (GRCh38, 1-based): chr20:46,560,101, G>A on the plus strand (C>T on the coding strand, the complement: SLC13A3 is on the minus strand). VCF-style: chr20-46560101-G-A. GRCh37 (hg19) VCF-style: chr20-45188740-G-A.
Other names: c.1589C>T, p.Pro530Leu (NM_001011554.3); c.1580C>T, p.Pro527Leu (NM_001193339.2); c.1484C>T, p.Pro495Leu (NM_001193340.2); c.1436C>T, p.Pro479Leu (NM_001193342.2); short protein forms P530L, P479L, P495L, P577L, P527L.
Identifiers: ClinVar variation 1946620 (VCV001946620.5), dbSNP rs1281351397, ClinGen allele CA409257351.

ClinVar aggregate classification (germline): Uncertain significance (1 of 4 stars; one submission).

Allele frequency attached by ClinVar (database versions not stated): TOPMed 0.00001; gnomAD exomes 0.00002.
gnomAD v4.1: 22 of 1,614,126 alleles (0.0014%); highest among the groups gnomAD compares: Non-Finnish European, 0.0018%; no homozygotes.

Submission:

Labcorp Genetics (formerly Invitae), Labcorp
Classification: Uncertain significance. Last evaluated: 2023-04-24. Review status: criteria provided, single submitter. Criteria: Invitae Variant Classification Sherloc (09022015). Collection method: clinical testing. Allele origin: germline.
Comment: This variant is present in population databases (no rsID available, gnomAD 0.0009%). This sequence change replaces proline, which is neutral and non-polar, with leucine, which is neutral and non-polar, at codon 577 of the SLC13A3 protein (p.Pro577Leu). This variant has not been reported in the literature in individuals affected with SLC13A3-related conditions. ClinVar contains an entry for this variant (Variation ID: 1946620). An algorithm developed to predict the effect of missense changes on protein structure and function (PolyPhen-2) suggests that this variant is likely to be disruptive. In summary, the available evidence is currently insufficient to determine the role of this variant in disease. Therefore, it has been classified as a Variant of Uncertain Significance.